The following is an entry in ClinVar:

NM_001261826.3(AP3D1):c.1666C>T (p.Arg556Trp)

Gene: AP3D1 (adaptor related protein complex 3 subunit delta 1; minus strand). Cytogenetic location: 19p13.3.
Variant type: single nucleotide variant.
Coding change: c.1666C>T on transcript NM_001261826.3 (MANE Select); coding-DNA position 1666, C replaced by T.
Protein change: p.Arg556Trp; replaces arginine 556 with tryptophan.
Molecular consequence: missense variant.
Genome position (GRCh38, 1-based): chr19:2,118,648, G>A on the plus strand (C>T on the coding strand, the complement: AP3D1 is on the minus strand). VCF-style: chr19-2118648-G-A. GRCh37 (hg19) VCF-style: chr19-2118647-G-A.
Other names: c.1666C>T, p.Arg556Trp (NM_001374799.1, NM_003938.8); short protein forms R556W.
Identifiers: ClinVar variation 1440643 (VCV001440643.8), dbSNP rs755474562, ClinGen allele CA403221044.

ClinVar aggregate classification (germline): Uncertain significance (1 of 4 stars; one submission).

Allele frequency attached by ClinVar (database versions not stated): TOPMed below 0.00001; gnomAD 0.00002.
gnomAD v4.1: 27 of 1,612,352 alleles (0.0017%); highest among the groups gnomAD compares: African/African-American, 0.0027%; no homozygotes.

Submission:

Labcorp Genetics (formerly Invitae), Labcorp
Classification: Uncertain significance. Last evaluated: 2022-12-18. Review status: criteria provided, single submitter. Criteria: Invitae Variant Classification Sherloc (09022015). Collection method: clinical testing. Allele origin: germline.
Comment: This sequence change replaces arginine, which is basic and polar, with tryptophan, which is neutral and slightly polar, at codon 556 of the AP3D1 protein (p.Arg556Trp). This variant is present in population databases (no rsID available, gnomAD 0.002%). This variant has not been reported in the literature in individuals affected with AP3D1-related conditions. ClinVar contains an entry for this variant (Variation ID: 1440643). Algorithms developed to predict the effect of missense changes on protein structure and function are either unavailable or do not agree on the potential impact of this missense change (SIFT: "Deleterious"; PolyPhen-2: "Probably Damaging"; Align-GVGD: "Class C0"). In summary, the available evidence is currently insufficient to determine the role of this variant in disease. Therefore, it has been classified as a Variant of Uncertain Significance.